The following is an entry in ClinVar:

NM_152564.5(VPS13B):c.6842T>A (p.Leu2281Gln)

Gene: VPS13B (vacuolar protein sorting 13 homolog B; plus strand). Cytogenetic location: 8q22.2.
Variant type: single nucleotide variant.
Coding change: c.6842T>A on transcript NM_152564.5 (MANE Select); coding-DNA position 6842, T replaced by A.
Protein change: p.Leu2281Gln; replaces leucine 2281 with glutamine.
Molecular consequence: missense variant.
Genome position (GRCh38, 1-based): chr8:99,720,529, T>A. VCF-style: chr8-99720529-T-A. GRCh37 (hg19) VCF-style: chr8-100732757-T-A.
Other names: c.6917T>A, p.Leu2306Gln (NM_017890.5); short protein forms L2281Q, L2306Q.
Identifiers: ClinVar variation 2132835 (VCV002132835.4), dbSNP rs1833091932, ClinGen allele CA371867929.

ClinVar aggregate classification (germline): Uncertain significance (1 of 4 stars; one submission).

Conditions:
Cohen syndrome (COH1). Also called: Cutis verticis gyrata, retinitis pigmentosa, and sensorineural deafness; PEPPER SYNDROME. Identifiers: Orphanet 193, MedGen C0265223, MONDO:0008999, OMIM 216550.

Allele frequency attached by ClinVar (database versions not stated): gnomAD 0.00001.
gnomAD v4.1: 1 of 1,613,924 alleles (0.000062%); highest among the groups gnomAD compares: African/African-American, 0.0013%; no homozygotes.

Submission:

Labcorp Genetics (formerly Invitae), Labcorp
Classification: Uncertain significance for Cohen syndrome. Last evaluated: 2022-05-03. Review status: criteria provided, single submitter. Criteria: Invitae Variant Classification Sherloc (09022015). Collection method: clinical testing. Allele origin: germline.
Comment: In summary, the available evidence is currently insufficient to determine the role of this variant in disease. Therefore, it has been classified as a Variant of Uncertain Significance. Algorithms developed to predict the effect of missense changes on protein structure and function output the following: SIFT: "Not Available"; PolyPhen-2: "Benign"; Align-GVGD: "Not Available". The glutamine amino acid residue is found in multiple mammalian species, which suggests that this missense change does not adversely affect protein function. This variant has not been reported in the literature in individuals affected with VPS13B-related conditions. This variant is not present in population databases (gnomAD no frequency). This sequence change replaces leucine, which is neutral and non-polar, with glutamine, which is neutral and polar, at codon 2306 of the VPS13B protein (p.Leu2306Gln).